The following is an entry in ClinVar:

NM_177438.3(DICER1):c.3260C>G (p.Ala1087Gly)

Gene: DICER1 (dicer 1, ribonuclease III; minus strand). Cytogenetic location: 14q32.13.
Variant type: single nucleotide variant.
Coding change: c.3260C>G on transcript NM_177438.3 (MANE Select); coding-DNA position 3260, C replaced by G.
Protein change: p.Ala1087Gly; replaces alanine 1087 with glycine.
Molecular consequence: missense variant.
Genome position (GRCh38, 1-based): chr14:95,105,080, G>C on the plus strand (C>G on the coding strand, the complement: DICER1 is on the minus strand). VCF-style: chr14-95105080-G-C. GRCh37 (hg19) VCF-style: chr14-95571417-G-C.
Other names: c.3260C>G, p.Ala1087Gly (NM_001195573.1, NM_001271282.3, NM_001291628.2 and 1 more transcripts); short protein forms A1087G.
Identifiers: ClinVar variation 477129 (VCV000477129.16), dbSNP rs180918578, ClinGen allele CA265906985.

ClinVar aggregate classification (germline): Conflicting classifications of pathogenicity. Review status: criteria provided, conflicting classifications (1 of 4 stars). 3 submissions from 3 submitters: Uncertain significance (2); Likely benign (1). Last evaluated 2026-01-28.

Conditions:
Global developmental delay - lung cysts - overgrowth - Wilms tumor syndrome. Also called: GLOW Syndrome; GLOBAL DEVELOPMENTAL DELAY, LUNG CYSTS, OVERGROWTH, AND WILMS TUMOR. Identifiers: Orphanet 404476, MedGen C4748924, MONDO:0018445, OMIM 618272.
DICER1-related tumor predisposition. Also called: DICER1-related pleuropulmonary blastoma cancer predisposition syndrome; DICER1 syndrome. Identifiers: Orphanet 284343, MedGen C3839822, MONDO:0100216.
Hereditary cancer-predisposing syndrome. Also called: Tumor predisposition; Neoplastic Syndromes, Hereditary; Hereditary Cancer Syndrome; Hereditary neoplastic syndrome. Identifiers: Orphanet 140162, MedGen C0027672, MeSH D009386, MONDO:0015356.

gnomAD v4.1: 5 of 1,613,970 alleles (0.00031%); highest among the groups gnomAD compares: Admixed American, 0.0083%; no homozygotes.

Submissions (3):

Labcorp Genetics (formerly Invitae), Labcorp
Classification: Uncertain significance for DICER1-related tumor predisposition. Last evaluated: 2026-01-28. Review status: criteria provided, single submitter. Criteria: Invitae Variant Classification Sherloc (09022015). Collection method: clinical testing. Allele origin: germline.
Comment: This sequence change replaces alanine, which is neutral and non-polar, with glycine, which is neutral and non-polar, at codon 1087 of the DICER1 protein (p.Ala1087Gly). This variant is present in population databases (no rsID available, gnomAD 0.01%). This variant has not been reported in the literature in individuals affected with DICER1-related conditions. ClinVar contains an entry for this variant (Variation ID: 477129). Invitae Evidence Modeling of protein sequence and biophysical properties (such as structural, functional, and spatial information, amino acid conservation, physicochemical variation, residue mobility, and thermodynamic stability) indicates that this missense variant is not expected to disrupt DICER1 protein function with a negative predictive value of 95%. In summary, the available evidence is currently insufficient to determine the role of this variant in disease. Therefore, it has been classified as a Variant of Uncertain Significance.

Ambry Genetics
Classification: Likely benign for Hereditary cancer-predisposing syndrome. Last evaluated: 2024-02-15. Review status: criteria provided, single submitter. Criteria: Ambry Variant Classification Scheme 2023. Collection method: clinical testing. Allele origin: germline.

Baylor Genetics
Classification: Uncertain significance for Global developmental delay - lung cysts - overgrowth - Wilms tumor syndrome. Last evaluated: 2024-01-06. Review status: criteria provided, single submitter. Criteria: ACMG Guidelines, 2015. Collection method: clinical testing. Allele origin: unknown.